The following is an entry in ClinVar:

ClinVar aggregate classification (germline): Uncertain significance (1 of 4 stars; one submission).

Conditions:
Benign neonatal seizures. Also called: Benign familial neonatal seizures; Convulsions benign familial neonatal dominant form; Autosomal dominant form of benign neonatal seizures; Benign familial neonatal epilepsy; Benign neonatal familial convulsions. Identifiers: Orphanet 1949, MedGen C0220669, MONDO:0016027.

Allele frequency attached by ClinVar (database versions not stated): gnomAD exomes below 0.00001.
gnomAD v4.1: 6 of 1,611,712 alleles (0.00037%); highest among the groups gnomAD compares: Non-Finnish European, 0.00051%; no homozygotes.

Submission:

Labcorp Genetics (formerly Invitae), Labcorp
Classification: Uncertain significance for Benign neonatal seizures. Last evaluated: 2021-02-17. Review status: criteria provided, single submitter. Criteria: Invitae Variant Classification Sherloc (09022015). Collection method: clinical testing. Allele origin: germline.
Comment: This variant has not been reported in the literature in individuals with KCNQ3-related conditions. In summary, the available evidence is currently insufficient to determine the role of this variant in disease. Therefore, it has been classified as a Variant of Uncertain Significance. Algorithms developed to predict the effect of missense changes on protein structure and function are either unavailable or do not agree on the potential impact of this missense change (SIFT: "Deleterious"; PolyPhen-2: "Probably Damaging"; Align-GVGD: "Class C0"). This variant is not present in population databases (ExAC no frequency). This sequence change replaces leucine with proline at codon 88 of the KCNQ3 protein (p.Leu88Pro). The leucine residue is moderately conserved and there is a moderate physicochemical difference between leucine and proline.

NM_004519.4(KCNQ3):c.263T>C (p.Leu88Pro)

Gene: KCNQ3 (potassium voltage-gated channel subfamily Q member 3; minus strand). Cytogenetic location: 8q24.22.
Variant type: single nucleotide variant.
Coding change: c.263T>C on transcript NM_004519.4 (MANE Select); coding-DNA position 263, T replaced by C.
Protein change: p.Leu88Pro; replaces leucine 88 with proline.
Molecular consequence: missense variant.
Genome position (GRCh38, 1-based): chr8:132,480,270, A>G on the plus strand (T>C on the coding strand, the complement: KCNQ3 is on the minus strand). VCF-style: chr8-132480270-A-G. GRCh37 (hg19) VCF-style: chr8-133492517-A-G.
Other names: short protein forms L88P.
Identifiers: ClinVar variation 1515949 (VCV001515949.8), dbSNP rs1051073307, ClinGen allele CA372292574.